The following is an entry in ClinVar:

NM_007373.4(SHOC2):c.704-19del

Gene: SHOC2 (SHOC2 leucine rich repeat scaffold protein; plus strand). Cytogenetic location: 10q25.2.
Variant type: Deletion.
Coding change: c.704-19del on transcript NM_007373.4 (MANE Select); 19 bases into the intron before coding-DNA position 704, one base deleted (T; older notation c.704-19delT).
Molecular consequence: intron variant.
Genome position (GRCh38, 1-based): chr10:110,985,609, T deleted; the last of 5 consecutive T bases (chr10:110,985,605-110,985,609); deleting any one gives the same sequence. VCF-style (leftmost placement, unchanged base first): chr10-110985604-AT-A. GRCh37 (hg19) VCF-style: chr10-112745362-AT-A.
Other names: c.704-19del (NM_001324336.2, NM_001324337.2); c.704-14806del (NM_001269039.3).
Identifiers: ClinVar variation 984529 (VCV000984529.1), dbSNP rs768697153, ClinGen allele CA5689626.

ClinVar aggregate classification (germline): Benign (1 of 4 stars; one submission).

Submission:

Women's Health and Genetics/Laboratory Corporation of America, LabCorp
Classification: Benign. Last evaluated: 2020-10-26. Review status: criteria provided, single submitter. Criteria: LabCorp Variant Classification Summary - May 2015. Collection method: clinical testing. Allele origin: germline.
Comment: Variant summary: SHOC2 c.704-19delT alters a non-conserved nucleotide located close to a canonical splice site and therefore could affect mRNA splicing, leading to a significantly altered protein sequence. 4/4 computational tools predict no significant impact on normal splicing. However, these predictions have yet to be confirmed by functional studies. The variant allele was found at a frequency of 8.4e-05 in 250570 control chromosomes, predominantly at a frequency of 0.0011 within the East Asian subpopulation in the gnomAD database. The observed variant frequency within East Asian control individuals in the gnomAD database is approximately 44 fold of the estimated maximal expected allele frequency for a pathogenic variant in SHOC2 causing Noonan Syndrome With Loose Anagen Hair phenotype (2.5e-05), strongly suggesting that the variant is a benign polymorphism found primarily in populations of East Asian origin. To our knowledge, no occurrence of c.704-19delT in individuals affected with Noonan Syndrome With Loose Anagen Hair and no experimental evidence demonstrating its impact on protein function have been reported. No clinical diagnostic laboratories have submitted clinical-significance assessments for this variant to ClinVar after 2014. Based on the evidence outlined above, the variant was classified as benign.